The following is an entry in ClinVar:

ClinVar aggregate classification (germline): Uncertain significance. Review status: criteria provided, multiple submitters, no conflicts (2 of 4 stars). 2 submissions from 2 submitters: Uncertain significance (2). Last evaluated 2024-10-01.

Conditions:
Late-onset cone-rod dystrophy.

gnomAD v4.1: 15 of 1,613,726 alleles (0.00093%); highest among the groups gnomAD compares: Admixed American, 0.0017%; no homozygotes.

Submissions (2):

Lab De Baere, Eye and Developmental Genetics Lab, Ghent University
Classification: Uncertain significance for Late-onset cone-rod dystrophy. Last evaluated: 2024-10-01. Review status: criteria provided, single submitter. Criteria: ACMG Guidelines, 2015. Collection method: research. Allele origin: inherited. Affected: yes. Observed: 1 variant allele.
Comment: ACMG/AMP guidelines: PM2, BS4, PM3_PP

Blueprint Genetics
Classification: Uncertain significance. Last evaluated: 2019-02-21. Review status: criteria provided, single submitter. Criteria: ACMG Guidelines, 2015. Collection method: clinical testing. Allele origin: germline.

NM_021831.6(AGBL5):c.937C>T (p.Arg313Cys)

Gene: AGBL5 (AGBL carboxypeptidase 5; plus strand). Cytogenetic location: 2p23.3.
Variant type: single nucleotide variant.
Coding change: c.937C>T on transcript NM_021831.6 (MANE Select); coding-DNA position 937, C replaced by T.
Protein change: p.Arg313Cys; replaces arginine 313 with cysteine.
Molecular consequence: missense variant. On other transcripts: non-coding transcript variant (2).
Genome position (GRCh38, 1-based): chr2:27,055,710, C>T. VCF-style: chr2-27055710-C-T. GRCh37 (hg19) VCF-style: chr2-27278578-C-T.
Other names: c.937C>T, p.Arg313Cys (NM_001035507.3); short protein forms R313C.
Identifiers: ClinVar variation 3544428 (VCV003544428.2).